The following is an entry in ClinVar:

ClinVar aggregate classification (germline): Benign/Likely benign. Review status: criteria provided, multiple submitters, no conflicts (2 of 4 stars). 5 submissions from 4 submitters: Benign (3); Likely benign (2). Last evaluated 2026-01-28.

Conditions:
Retinitis pigmentosa (RP). Identifiers: Orphanet 791, MedGen C0035334, MeSH D012174, MONDO:0019200, OMIM 268000. Inheritance: Autosomal dominant, autosomal recessive and X linked inheritance.
Congenital stationary night blindness autosomal dominant 2. Also called: NIGHT BLINDNESS, CONGENITAL STATIONARY, RAMBUSCH TYPE. Identifiers: Orphanet 215, MedGen C1876182, MONDO:0008099, OMIM 163500.

Allele frequency attached by ClinVar (database versions not stated): gnomAD exomes 0.00077 and 0.00189; ExAC 0.00220; 1000 Genomes Project 30x 0.00703; 1000 Genomes Project 0.00719; gnomAD 0.00759 and 0.00827; TOPMed 0.00803; ESP Exome Variant Server 0.00823.
gnomAD v4.1: 2,328 of 1,613,880 alleles (0.14%); highest among the groups gnomAD compares: African/African-American, 2.8%; 29 homozygotes.

Submissions (5):

Labcorp Genetics (formerly Invitae), Labcorp
Classification: Benign. Last evaluated: 2026-01-28. Review status: criteria provided, single submitter. Criteria: Invitae Variant Classification Sherloc (09022015). Collection method: clinical testing. Allele origin: germline.

Illumina Laboratory Services, Illumina
Classification: Benign for Congenital stationary night blindness autosomal dominant 2. Last evaluated: 2018-01-12. Review status: criteria provided, single submitter. Criteria: ICSL Variant Classification Criteria 13 December 2019. Collection method: clinical testing. Allele origin: germline.
Comment: This variant was observed in the ICSL laboratory as part of a predisposition screen in an ostensibly healthy population. It had not been previously curated by ICSL or reported in the Human Gene Mutation Database (HGMD: prior to June 1st, 2018), and was therefore a candidate for classification through an automated scoring system. Utilizing variant allele frequency, disease prevalence and penetrance estimates, and inheritance mode, an automated score was calculated to assess if this variant is too frequent to cause the disease. Based on the score and internal cut-off values, a variant classified as benign is not then subjected to further curation. The score for this variant resulted in a classification of benign for this disease.

Illumina Laboratory Services, Illumina
Classification: Likely benign for Retinitis pigmentosa. Last evaluated: 2018-01-12. Review status: criteria provided, single submitter. Criteria: ICSL Variant Classification Criteria 13 December 2019. Collection method: clinical testing. Allele origin: germline.
Comment: This variant was observed in the ICSL laboratory as part of a predisposition screen in an ostensibly healthy population. It had not been previously curated by ICSL or reported in the Human Gene Mutation Database (HGMD: prior to June 1st, 2018), and was therefore a candidate for classification through an automated scoring system. Utilizing variant allele frequency, disease prevalence and penetrance estimates, and inheritance mode, an automated score was calculated to assess if this variant is too frequent to cause the disease. Based on the score and internal cut-off values, a variant classified as likely benign is not then subjected to further curation. The score for this variant resulted in a classification of likely benign for this disease.

GeneDx
Classification: Benign. Last evaluated: 2011-08-12. Review status: criteria provided, single submitter. Criteria: GeneDx Variant Classification (06012015). Collection method: clinical testing. Allele origin: germline. Affected: yes.
Comment: This variant is considered likely benign or benign based on one or more of the following criteria: it is a conservative change, it occurs at a poorly conserved position in the protein, it is predicted to be benign by multiple in silico algorithms, and/or has population frequency not consistent with disease.

Breakthrough Genomics
Classification: Likely benign. Review status: criteria provided, single submitter. Criteria: ACMG Guidelines, 2015. Collection method: not provided. Allele origin: germline. Inheritance: Autosomal recessive inheritance. Affected: yes.

NM_000283.4(PDE6B):c.873T>C (p.Ser291=)

Genes: PDE6B (phosphodiesterase 6B; plus strand), PDE6B-AS1 (PDE6B antisense RNA 1; minus strand). Cytogenetic location: 4p16.3.
Variant type: single nucleotide variant.
Coding change: c.873T>C on transcript NM_000283.4 (MANE Select); coding-DNA position 873, T replaced by C.
Protein change: p.Ser291=; no amino-acid change (serine 291 retained).
Molecular consequence: synonymous variant. On other transcripts: 5 prime UTR variant (1).
Genome position (GRCh38, 1-based): chr4:654,100, T>C. VCF-style: chr4-654100-T-C. GRCh37 (hg19) VCF-style: chr4-647889-T-C.
Other names: p.S291S:TCT>TCC; c.873T>C, p.Ser291= (NM_001145291.2); c.36T>C, p.Ser12= (NM_001145292.2, NM_001350154.3, NM_001379246.1 and 1 more transcripts); c.-168T>C (NM_001350155.3).
Identifiers: ClinVar variation 138639 (VCV000138639.16), dbSNP rs142597807, ClinGen allele CA292714.